The following is an entry in ClinVar:

NM_004655.4(AXIN2):c.1570G>A (p.Val524Ile)

Gene: AXIN2 (axin 2; minus strand). Cytogenetic location: 17q24.1.
Variant type: single nucleotide variant.
Coding change: c.1570G>A on transcript NM_004655.4 (MANE Select); coding-DNA position 1570, G replaced by A.
Protein change: p.Val524Ile; replaces valine 524 with isoleucine.
Molecular consequence: missense variant.
Genome position (GRCh38, 1-based): chr17:65,537,466, C>T on the plus strand (G>A on the coding strand, the complement: AXIN2 is on the minus strand). VCF-style: chr17-65537466-C-T. GRCh37 (hg19) VCF-style: chr17-63533584-C-T.
Other names: c.1570G>A, p.Val524Ile (NM_001363813.1); short protein forms V524I.
Identifiers: ClinVar variation 2061974 (VCV002061974.4), dbSNP rs2040852683, ClinGen allele CA400677240.

ClinVar aggregate classification (germline): Conflicting classifications of pathogenicity. Review status: criteria provided, conflicting classifications (1 of 4 stars). 2 submissions from 2 submitters: Uncertain significance (1); Likely benign (1). Last evaluated 2025-06-16.

Conditions:
Hereditary cancer-predisposing syndrome. Also called: Tumor predisposition; Hereditary neoplastic syndrome; Neoplastic Syndromes, Hereditary; Hereditary Cancer Syndrome. Identifiers: Orphanet 140162, MedGen C0027672, MeSH D009386, MONDO:0015356.
Oligodontia-cancer predisposition syndrome. Also called: TOOTH AGENESIS-COLORECTAL CANCER SYNDROME. Identifiers: Orphanet 300576, MedGen C1837750, MONDO:0012075, OMIM 608615. Disease mechanism: loss of function.

Submissions (2):

Ambry Genetics
Classification: Likely benign for Hereditary cancer-predisposing syndrome. Last evaluated: 2025-06-16. Review status: criteria provided, single submitter. Criteria: Ambry Variant Classification Scheme 2023. Collection method: clinical testing. Allele origin: germline.

Labcorp Genetics (formerly Invitae), Labcorp
Classification: Uncertain significance for Oligodontia-cancer predisposition syndrome. Last evaluated: 2024-10-14. Review status: criteria provided, single submitter. Criteria: Invitae Variant Classification Sherloc (09022015). Collection method: clinical testing. Allele origin: germline.
Comment: This sequence change replaces valine, which is neutral and non-polar, with isoleucine, which is neutral and non-polar, at codon 524 of the AXIN2 protein (p.Val524Ile). This variant is not present in population databases (gnomAD no frequency). This variant has not been reported in the literature in individuals affected with AXIN2-related conditions. ClinVar contains an entry for this variant (Variation ID: 2061974). Invitae Evidence Modeling of protein sequence and biophysical properties (such as structural, functional, and spatial information, amino acid conservation, physicochemical variation, residue mobility, and thermodynamic stability) indicates that this missense variant is not expected to disrupt AXIN2 protein function with a negative predictive value of 80%. In summary, the available evidence is currently insufficient to determine the role of this variant in disease. Therefore, it has been classified as a Variant of Uncertain Significance.